The following is an entry in ClinVar:

NM_000135.4(FANCA):c.277T>G (p.Phe93Val)

Gene: FANCA (FA complementation group A; minus strand). Cytogenetic location: 16q24.3.
Variant type: single nucleotide variant.
Coding change: c.277T>G on transcript NM_000135.4 (MANE Select); coding-DNA position 277, T replaced by G.
Protein change: p.Phe93Val; replaces phenylalanine 93 with valine.
Molecular consequence: missense variant.
Genome position (GRCh38, 1-based): chr16:89,814,526, A>C on the plus strand (T>G on the coding strand, the complement: FANCA is on the minus strand). VCF-style: chr16-89814526-A-C. GRCh37 (hg19) VCF-style: chr16-89880934-A-C.
Other names: c.277T>G, p.Phe93Val (NM_001018112.3, NM_001286167.3, NM_001351830.2); short protein forms F93V.
Identifiers: ClinVar variation 4022281 (VCV004022281.1).
Genomic context (GRCh38, chr16:89,814,526, plus strand): 5'-CTATATAAAAACCCTTCTGCAATTCAAAATAGAGAAAATGAAGCTATAACTTACCTATAA[A>C]TGAACTAGAATGATTAGCATAGGCCTCAGAACTGTCACAGTCAATCACTTTGCTGAGAGA-3'
Protein context (NP_000126.2, residues 83-103): SEAYANHSSS[Phe93Val]IGSALQDQAS

ClinVar aggregate classification (germline): Uncertain significance (1 of 4 stars; one submission).

Conditions:
Inborn genetic diseases. Identifiers: MedGen C0950123, MeSH D030342.

Submission:

Ambry Genetics
Classification: Uncertain significance for Inborn genetic diseases. Last evaluated: 2025-05-17. Review status: criteria provided, single submitter. Criteria: Ambry Variant Classification Scheme 2023. Collection method: clinical testing. Allele origin: germline.
Comment: The p.F93V variant (also known as c.277T>G), located in coding exon 3 of the FANCA gene, results from a T to G substitution at nucleotide position 277. The phenylalanine at codon 93 is replaced by valine, an amino acid with highly similar properties. This amino acid position is conserved. In addition, this alteration is predicted to be tolerated by in silico analysis. Based on the available evidence, the clinical significance of this variant remains unclear.